The following is an entry in ClinVar:

NM_001271.4(CHD2):c.915C>G (p.Ile305Met)

Gene: CHD2 (chromodomain helicase DNA binding protein 2; plus strand). Cytogenetic location: 15q26.1.
Variant type: single nucleotide variant.
Coding change: c.915C>G on transcript NM_001271.4 (MANE Select); coding-DNA position 915, C replaced by G.
Protein change: p.Ile305Met; replaces isoleucine 305 with methionine.
Molecular consequence: missense variant.
Genome position (GRCh38, 1-based): chr15:92,942,931, C>G. VCF-style: chr15-92942931-C-G. GRCh37 (hg19) VCF-style: chr15-93486161-C-G.
Other names: c.915C>G, p.Ile305Met (NM_001042572.3); short protein forms I305M.
Identifiers: ClinVar variation 3636667 (VCV003636667.2).
Genomic context (GRCh38, chr15:92,942,931, plus strand): 5'-GATTGAAGCTAATGGCGACCCTAGTGGTGACTTTGACACTGAAAAGGATGAAGGTGAAAT[C>G]CAGTACCTCATCAAGTGGAAGGGTTGGTCTTACATCCACAGCACATGGGAGAGTGAAGAA-3'
Protein context (NP_001262.3, residues 295-315): DFDTEKDEGE[Ile305Met]QYLIKWKGWS

ClinVar aggregate classification (germline): Uncertain significance (1 of 4 stars; one submission).

Conditions:
Developmental and epileptic encephalopathy 94 (DEE94). Also called: Epileptic encephalopathy, childhood-onset; CHD2-Related Neurodevelopmental Disorders. Identifiers: Orphanet 1942, Orphanet 2382, MedGen C3809278, MONDO:0014150, OMIM 615369.

gnomAD v4.1: 1 of 1,614,076 alleles (0.000062%); highest among the groups gnomAD compares: Non-Finnish European, 0.000085%; no homozygotes.

Submission:

Labcorp Genetics (formerly Invitae), Labcorp
Classification: Uncertain significance for Developmental and epileptic encephalopathy 94. Last evaluated: 2024-09-09. Review status: criteria provided, single submitter. Criteria: Invitae Variant Classification Sherloc (09022015). Collection method: clinical testing. Allele origin: germline.
Comment: This sequence change replaces isoleucine, which is neutral and non-polar, with methionine, which is neutral and non-polar, at codon 305 of the CHD2 protein (p.Ile305Met). This variant is not present in population databases (gnomAD no frequency). This variant has not been reported in the literature in individuals affected with CHD2-related conditions. Invitae Evidence Modeling of protein sequence and biophysical properties (such as structural, functional, and spatial information, amino acid conservation, physicochemical variation, residue mobility, and thermodynamic stability) indicates that this missense variant is not expected to disrupt CHD2 protein function with a negative predictive value of 95%. In summary, the available evidence is currently insufficient to determine the role of this variant in disease. Therefore, it has been classified as a Variant of Uncertain Significance.